The following is an entry in ClinVar:

NM_000020.3(ACVRL1):c.990C>G (p.Asp330Glu)

Gene: ACVRL1 (activin A receptor like type 1; plus strand). Cytogenetic location: 12q13.13.
Variant type: single nucleotide variant.
Coding change: c.990C>G on transcript NM_000020.3 (MANE Select); coding-DNA position 990, C replaced by G.
Protein change: p.Asp330Glu; replaces aspartic acid 330 with glutamic acid.
Molecular consequence: missense variant.
Genome position (GRCh38, 1-based): chr12:51,915,442, C>G. VCF-style: chr12-51915442-C-G. GRCh37 (hg19) VCF-style: chr12-52309226-C-G.
Other names: c.990C>G, p.Asp330Glu (NM_001077401.2, NM_001406487.1, NM_001406488.1 and 1 more transcripts); c.678C>G, p.Asp226Glu (NM_001406490.1, NM_001406491.1, NM_001406492.1 and 2 more transcripts); c.426C>G, p.Asp142Glu (NM_001406495.1); short protein forms D142E, D226E, D330E.
Identifiers: ClinVar variation 2036560 (VCV002036560.4), dbSNP rs1463725277, ClinGen allele CA384901468.

ClinVar aggregate classification (germline): Pathogenic (1 of 4 stars; one submission).

Conditions:
Telangiectasia, hereditary hemorrhagic, type 2 (HHT2). Also called: ACVRL1-Related Hereditary Hemorrhagic Telangiectasia; Telangiectasia, hereditary hemorrhagic, type II. Identifiers: Orphanet 774, MedGen C1838163, MONDO:0010880, OMIM 600376. Disease mechanism: loss of function.

Submission:

Labcorp Genetics (formerly Invitae), Labcorp
Classification: Pathogenic for Telangiectasia, hereditary hemorrhagic, type 2. Last evaluated: 2023-06-02. Review status: criteria provided, single submitter. Criteria: Invitae Variant Classification Sherloc (09022015). Collection method: clinical testing. Allele origin: germline.
Comment: For these reasons, this variant has been classified as Pathogenic. This variant disrupts the p.Asp330 amino acid residue in ACVRL1. Other variant(s) that disrupt this residue have been determined to be pathogenic (PMID: 12114496, 16429404, 18673552, 23124896). This suggests that this residue is clinically significant, and that variants that disrupt this residue are likely to be disease-causing. Advanced modeling of protein sequence and biophysical properties (such as structural, functional, and spatial information, amino acid conservation, physicochemical variation, residue mobility, and thermodynamic stability) performed at Invitae indicates that this missense variant is expected to disrupt ACVRL1 protein function. ClinVar contains an entry for this variant (Variation ID: 2036560). This missense change has been observed in individual(s) with clinical features of hereditary hemorrhagic telangiectasia (Invitae). This variant is not present in population databases (gnomAD no frequency). This sequence change replaces aspartic acid, which is acidic and polar, with glutamic acid, which is acidic and polar, at codon 330 of the ACVRL1 protein (p.Asp330Glu).

Literature cited by the submitters: PubMed 12114496; PubMed 16429404; PubMed 18673552; PubMed 23124896.